The following is an entry in ClinVar:

ClinVar aggregate classification (germline): Pathogenic. Review status: criteria provided, single submitter (1 of 4 stars). 2 submissions from 2 submitters: Pathogenic (1). 1 of the submissions does not count toward it. Last evaluated 2025-08-05.

Conditions:
Hypercholesterolemia, autosomal dominant, type B (FHCL2). Also called: Familial Hypercholesterolemia Type B; Hyperlipoproteinemia Type IIb; Familial hypercholesterolemia 2; APOB-Related Familial Hypercholesterolemia, Autosomal Dominant; APOLIPOPROTEIN B-100, FAMILIAL DEFECTIVE; APOLIPOPROTEIN B-100, FAMILIAL LIGAND-DEFECTIVE. Identifiers: MedGen C1704417, MONDO:0007751, OMIM 144010.
Familial hypobetalipoproteinemia 1. Also called: APOB-Related Familial Hypobetalipoproteinemia; Hypobetalipoproteinemia, normotriglyceridemic; Acanthocytosis with hypobetalipoproteinemia. Identifiers: MedGen C4551990, MONDO:0014252, OMIM 615558.

gnomAD v4.1: 1 of 1,613,596 alleles (0.000062%); highest among the groups gnomAD compares: Non-Finnish European, 0.000085%; no homozygotes.

Submissions (2):

Labcorp Genetics (formerly Invitae), Labcorp
Classification: Pathogenic for Familial hypobetalipoproteinemia 1; Hypercholesterolemia, autosomal dominant, type B. Last evaluated: 2025-08-05. Review status: criteria provided, single submitter. Criteria: Invitae Variant Classification Sherloc (09022015). Collection method: clinical testing. Allele origin: germline.
Comment: This sequence change creates a premature translational stop signal (p.Gln2279*) in the APOB gene. It is expected to result in an absent or disrupted protein product. Loss-of-function variants in APOB are known to be pathogenic (PMID: 20032471). This variant is not present in population databases (gnomAD no frequency). This premature translational stop signal has been observed in individual(s) with APOB-related conditions (PMID: 1939657). This variant is also known as p.Gln2252*. ClinVar contains an entry for this variant (Variation ID: 17893). For these reasons, this variant has been classified as Pathogenic.

OMIM
Classification: Pathogenic for HYPOBETALIPOPROTEINEMIA, NORMOTRIGLYCERIDEMIC. Last evaluated: 2005-07-01. Review status: no assertion criteria provided. Collection method: literature only. Allele origin: germline. Not counted in ClinVar's aggregate classification.

Literature cited by the submitters: PubMed 20032471 (cited by Labcorp Genetics (formerly Invitae), Labcorp); PubMed 1939657 (cited by Labcorp Genetics (formerly Invitae), Labcorp and OMIM); PubMed 7229035 (cited by OMIM); PubMed 3975124 (cited by OMIM); PubMed 4031057 (cited by OMIM); PubMed 2909827 (cited by OMIM); PubMed 1731805 (cited by OMIM); PubMed 15984016 (cited by OMIM).

NM_000384.3(APOB):c.6835C>T (p.Gln2279Ter)

Gene: APOB (apolipoprotein B; minus strand). Cytogenetic location: 2p24.1.
Variant type: single nucleotide variant.
Coding change: c.6835C>T on transcript NM_000384.3 (MANE Select); coding-DNA position 6835, C replaced by T.
Protein change: p.Gln2279Ter; replaces glutamine 2279 with a stop codon.
Molecular consequence: nonsense.
Genome position (GRCh38, 1-based): chr2:21,010,033, G>A on the plus strand (C>T on the coding strand, the complement: APOB is on the minus strand). VCF-style: chr2-21010033-G-A. GRCh37 (hg19) VCF-style: chr2-21232905-G-A.
Other names: Q2252*; short protein forms Q2279*.
Identifiers: ClinVar variation 17893 (VCV000017893.4), dbSNP rs121918388, ClinGen allele CA022898.
Genomic context (GRCh38, chr2:21,010,033, plus strand): 5'-CTAAAAGCACTCTAACATCAATAGCCTCAATGTGTTGTTTTAACTTTCCAGCTAGGTGCT[G>A]GATGTCTATATTCTGTATGTGTCTCTTAAGCTGCTGCAGTTTTTCTTGTATCTGGATTCT-3'